The following is an entry in ClinVar:

ClinVar aggregate classification (germline): Pathogenic/Likely pathogenic. Review status: criteria provided, multiple submitters, no conflicts (2 of 4 stars). 13 submissions from 13 submitters: Pathogenic (1); Likely pathogenic (11). 1 of the submissions does not count toward it. Last evaluated 2025-11-27.

Conditions:
Meckel-Gruber syndrome. Also called: Dysencephalia splachnocystica; DYSENCEPHALIA SPLANCHNOCYSTICA; GRUBER SYNDROME. Identifiers: Orphanet 564, MedGen C0265215, MONDO:0018921.
Joubert syndrome. Also called: Familial aplasia of the vermis; JOUBERT-BOLTSHAUSER SYNDROME. Identifiers: Orphanet 475, MedGen C5979921, MONDO:0018772.
Meckel syndrome, type 1 (MKS1). Also called: MECKEL-GRUBER SYNDROME, TYPE 1. Identifiers: Orphanet 564, MedGen C3714506, MONDO:0009571, OMIM 249000.
Bardet-Biedl syndrome 13 (BBS13). Identifiers: Orphanet 110, MedGen C2673873, MONDO:0014441, OMIM 615990.
MKS1-related disorder. Also called: MKS1-related disorders; MKS1-related condition. Identifiers: MedGen CN239382.
Joubert syndrome 28 (JBTS28). Identifiers: MedGen C4310705, MONDO:0014928, OMIM 617121.

Allele frequency attached by ClinVar (database versions not stated): gnomAD exomes 0.00001 and 0.00003; ExAC 0.00002; gnomAD 0.00003 and 0.00004; TOPMed 0.00005; ESP Exome Variant Server 0.00008.

Submissions (14):

Natera, Inc.
Classification: Likely pathogenic for Meckel syndrome type 1. Last evaluated: 2025-11-27. Review status: criteria provided, single submitter. Criteria: Natera Variant Classification Schema (03/2026). Collection method: clinical testing. Allele origin: germline.
Comment: The c.190+2T>C variant in MKS1 is a canonical splice donor site variant predicted to affect pre-mRNA splicing, which may result in an abnormal transcript and altered protein product. This variant is expected to result in nonsense mediated decay, truncation, or a dysfunctional protein product. This variant is rare in the general population with a frequency below the threshold expected for the associated phenotype(s). Given the available evidence, this variant is classified as Likely Pathogenic.

Labcorp Genetics (formerly Invitae), Labcorp
Classification: Likely pathogenic for Joubert syndrome; Meckel-Gruber syndrome. Last evaluated: 2025-08-20. Review status: criteria provided, single submitter. Criteria: Invitae Variant Classification Sherloc (09022015). Collection method: clinical testing. Allele origin: germline.
Comment: This sequence change affects a donor splice site in intron 2 of the MKS1 gene. It is expected to disrupt RNA splicing. Variants that disrupt the donor or acceptor splice site typically lead to a loss of protein function (PMID: 16199547), and loss-of-function variants in MKS1 are known to be pathogenic (PMID: 19466712, 24886560, 26490104). This variant is present in population databases (rs375170572, gnomAD 0.006%). This variant has not been reported in the literature in individuals affected with MKS1-related conditions. ClinVar contains an entry for this variant (Variation ID: 550954). Algorithms developed to predict the effect of sequence changes on RNA splicing suggest that this variant may disrupt the consensus splice site. In summary, the currently available evidence indicates that the variant is pathogenic, but additional data are needed to prove that conclusively. Therefore, this variant has been classified as Likely Pathogenic.

PreventionGenetics, part of Exact Sciences
Classification: Likely pathogenic for MKS1-related condition. Last evaluated: 2025-07-28. Review status: criteria provided, single submitter. Criteria: ACMG Guidelines, 2015. Collection method: clinical testing. Allele origin: germline.
Comment: The MKS1 c.190+2T>C variant is predicted to disrupt the GT donor site and interfere with normal splicing. To our knowledge, this variant has not been reported in the literature in individuals with MKS1-related disorders. This variant is reported in 0.0058% of alleles in individuals of Latino descent in gnomAD. Variants that disrupt the consensus splice donor site in MKS1 are expected to be pathogenic. This variant is interpreted as likely pathogenic.

First Genomix Gene Laboratory, Genetic Diagnostics Department
Classification: Likely pathogenic for Bardet-Biedl syndrome 13; Joubert syndrome 28; Meckel syndrome, type 1. Last evaluated: 2025-07-09. Review status: criteria provided, single submitter. Criteria: ACMG Guidelines, 2015. Collection method: clinical testing. Allele origin: germline. Inheritance: Autosomal recessive inheritance. Affected: no. Observed: 1 variant allele.

Baylor Genetics
Classification: Likely pathogenic for Bardet-Biedl syndrome 13. Last evaluated: 2024-03-23. Review status: criteria provided, single submitter. Criteria: ACMG Guidelines, 2015. Collection method: clinical testing. Allele origin: unknown.

Fulgent Genetics
Classification: Likely pathogenic for Meckel syndrome, type 1; Bardet-Biedl syndrome 13; Joubert syndrome 28. Last evaluated: 2024-03-20. Review status: criteria provided, single submitter. Criteria: ACMG Guidelines, 2015. Collection method: clinical testing. Allele origin: germline.

Women's Health and Genetics/Laboratory Corporation of America, LabCorp
Classification: Likely pathogenic for Meckel syndrome, type 1. Last evaluated: 2022-11-04. Review status: criteria provided, single submitter. Criteria: LabCorp Variant Classification Summary - May 2015. Collection method: clinical testing. Allele origin: germline.
Comment: Variant summary: MKS1 c.190+2T>C is located in a canonical splice-site and is predicted to affect mRNA splicing resulting in a significantly altered protein due to either exon skipping, shortening, or inclusion of intronic material. One computational tool predicts a significant impact on normal splicing by abolishing a canonical 5' splicing donor site. However, these predictions have yet to be confirmed by functional studies. The variant allele was found at a frequency of 3.2e-05 in 249570 control chromosomes (gnomAD). To our knowledge, no occurrence of c.190+2T>C in individuals affected with Meckel Syndrome Type 1 and no experimental evidence demonstrating its impact on protein function have been reported. Five clinical diagnostic laboratories have submitted clinical-significance assessments for this variant to ClinVar after 2014 without evidence for independent evaluation. All laboratories classified the variant as likely pathogenic. Based on the evidence outlined above, the variant was classified as likely pathogenic.

GeneDx
Classification: Likely pathogenic. Last evaluated: 2022-09-19. Review status: criteria provided, single submitter. Criteria: GeneDx Variant Classification Process June 2021. Collection method: clinical testing. Allele origin: germline. Affected: yes.
Comment: Canonical splice site variant predicted to result in a null allele in a gene for which loss of function is a known mechanism of disease; Not observed at significant frequency in large population cohorts (gnomAD); Has not been previously published as pathogenic or benign to our knowledge

Blueprint Genetics
Classification: Likely pathogenic for MKS1-related disorders. Last evaluated: 2022-07-29. Review status: criteria provided, single submitter. Criteria: ACMG Guidelines, 2015. Collection method: clinical testing. Allele origin: germline. Affected: yes. Observed: 5 variant alleles.

Genome-Nilou Lab
Classification: Likely pathogenic for Joubert syndrome 28. Last evaluated: 2021-07-22. Review status: criteria provided, single submitter. Criteria: ACMG Guidelines, 2015. Collection method: clinical testing. Allele origin: germline. Affected: no.

Revvity Omics, Revvity
Classification: Likely pathogenic. Last evaluated: 2021-04-01. Review status: criteria provided, single submitter. Criteria: ACMG Guidelines, 2015. Collection method: clinical testing. Allele origin: germline.

Kariminejad - Najmabadi Pathology & Genetics Center
Classification: Pathogenic for Bardet-Biedl syndrome 13. Review status: criteria provided, single submitter. Criteria: ACMG Guidelines, 2015. Collection method: clinical testing. Allele origin: germline. Affected: no.

Counsyl
Classification: Likely pathogenic for Meckel syndrome, type 1; Bardet-Biedl syndrome 13; Joubert syndrome 28. Last evaluated: 2017-03-14. Review status: no assertion criteria provided. Collection method: clinical testing. Allele origin: unknown. Not counted in ClinVar's aggregate classification.

Dr. Peter K. Rogan Lab, Western University
No classification provided (evidence only). Condition: Hepatocellular carcinoma. Review status: no classification provided. Collection method: in vitro. Allele origin: not applicable. Functional consequence: retained intron. Not counted in ClinVar's aggregate classification.

Literature cited by the submitters: PubMed 16199547 (cited by Labcorp Genetics (formerly Invitae), Labcorp); PubMed 19466712 (cited by Labcorp Genetics (formerly Invitae), Labcorp); PubMed 24886560 (cited by Labcorp Genetics (formerly Invitae), Labcorp); PubMed 26490104 (cited by Labcorp Genetics (formerly Invitae), Labcorp).

NM_017777.4(MKS1):c.190+2T>C

Gene: MKS1 (MKS transition zone complex subunit 1; minus strand). Cytogenetic location: 17q22.
Variant type: single nucleotide variant.
Coding change: c.190+2T>C on transcript NM_017777.4 (MANE Select); the canonical splice donor site of the intron after coding-DNA position 190, T replaced by C.
Molecular consequence: splice donor variant.
Genome position (GRCh38, 1-based): chr17:58,218,618, A>G on the plus strand (T>C on the coding strand, the complement: MKS1 is on the minus strand). VCF-style: chr17-58218618-A-G. GRCh37 (hg19) VCF-style: chr17-56295979-A-G.
Other names: c.-322+2T>C (NM_001321268.2); c.190+2T>C (NM_001330397.2, NM_001321269.2, NM_001411113.1).
Identifiers: ClinVar variation 550954 (VCV000550954.31), dbSNP rs375170572, ClinGen allele CA8669630.